The following is an entry in ClinVar:

NM_178857.6(RP1L1):c.189C>T (p.Ala63=)

Gene: RP1L1 (RP1 like 1). Cytogenetic location: 8p23.1.
Variant type: single nucleotide variant.
Coding change: c.189C>T on transcript NM_178857.6 (MANE Select); coding-DNA position 189, C replaced by T.
Protein change: p.Ala63=; no amino-acid change (alanine 63 retained).
Molecular consequence: synonymous variant.
Genome position (GRCh38, 1-based): chr8:10,623,013, G>A on the plus strand (C>T on the coding strand, the complement: RP1L1 is on the minus strand). VCF-style: chr8-10623013-G-A. GRCh37 (hg19) VCF-style: chr8-10480523-G-A.
Other names: c.189C>T (NM_178857.5).
Identifiers: ClinVar variation 1535319 (VCV001535319.11), dbSNP rs746223147, ClinGen allele CA4625835.

ClinVar aggregate classification (germline): Likely benign. Review status: criteria provided, multiple submitters, no conflicts (2 of 4 stars). 3 submissions from 3 submitters: Likely benign (2). 1 of the submissions does not count toward it. Last evaluated 2022-11-03.

Conditions:
RP1L1-related disorder. Also called: RP1L1-related condition.

Allele frequency attached by ClinVar (database versions not stated): gnomAD exomes below 0.00001 and 0.00005; ExAC 0.00001.
gnomAD v4.1: 77 of 1,614,130 alleles (0.0048%); highest among the groups gnomAD compares: Non-Finnish European, 0.0063%; no homozygotes.

Submissions (3):

Blueprint Genetics
Classification: Likely benign. Last evaluated: 2022-11-03. Review status: criteria provided, single submitter. Criteria: ACMG Guidelines, 2015. Collection method: clinical testing. Allele origin: germline.

Labcorp Genetics (formerly Invitae), Labcorp
Classification: Likely benign. Last evaluated: 2021-02-19. Review status: criteria provided, single submitter. Criteria: Invitae Variant Classification Sherloc (09022015). Collection method: clinical testing. Allele origin: germline.

PreventionGenetics, part of Exact Sciences
Classification: Likely benign for RP1L1-related condition. Last evaluated: 2019-07-31. Review status: no assertion criteria provided. Collection method: clinical testing. Allele origin: germline. Not counted in ClinVar's aggregate classification.
Comment: This variant is classified as likely benign based on ACMG/AMP sequence variant interpretation guidelines (Richards et al. 2015 PMID: 25741868, with internal and published modifications).